The following is an entry in ClinVar:

NM_000179.3(MSH6):c.1910_1911del (p.Leu637fs)

Gene: MSH6 (mutS homolog 6; plus strand). Cytogenetic location: 2p16.3.
Variant type: Microsatellite.
Coding change: c.1910_1911del on transcript NM_000179.3 (MANE Select); coding-DNA positions 1910 to 1911, 2 bases deleted (TC; older notation c.1910_1911delTC).
Protein change: p.Leu637fs; shifts the reading frame from leucine 637.
Molecular consequence: frameshift variant.
Genome position (GRCh38, 1-based): chr2:47,799,893-47,799,894, TC deleted; deleting any 2 consecutive bases within chr2:47,799,890-47,799,894 gives the same sequence; the c. name uses the placement nearest the transcript's 3' end. VCF-style (leftmost placement, unchanged base first): chr2-47799889-ACT-A. GRCh37 (hg19) VCF-style: chr2-48027028-ACT-A.
Other names: c.1520_1521del, p.Leu507fs (NM_001281492.2); c.1004_1005del, p.Leu335fs (NM_001281493.2, NM_001281494.2); c.1910_1911delTC (NM_000179.2); short protein forms L335fs, L507fs, L637fs.
Identifiers: ClinVar variation 988431 (VCV000988431.6), dbSNP rs1669391378, ClinGen allele CA2496049091.

ClinVar aggregate classification (germline): Pathogenic. Review status: criteria provided, multiple submitters, no conflicts (2 of 4 stars). 4 submissions from 4 submitters: Pathogenic (4). Last evaluated 2025-05-10.

Conditions:
Hereditary nonpolyposis colorectal neoplasms. Identifiers: MedGen C0009405, MeSH D003123.
Hereditary cancer-predisposing syndrome. Also called: Hereditary Cancer Syndrome; Neoplastic Syndromes, Hereditary; Tumor predisposition; Hereditary neoplastic syndrome. Identifiers: Orphanet 140162, MedGen C0027672, MeSH D009386, MONDO:0015356.
Lynch syndrome 5 (LYNCH5). Also called: Colorectal cancer, hereditary nonpolyposis, type 5; Hereditary non-polyposis colorectal cancer, type 5. Identifiers: Orphanet 144, MedGen C1833477, MONDO:0013710, OMIM 614350. Disease mechanism: loss of function.

Submissions (4):

Ambry Genetics
Classification: Pathogenic for Hereditary cancer-predisposing syndrome. Last evaluated: 2025-05-10. Review status: criteria provided, single submitter. Criteria: Ambry Variant Classification Scheme 2023. Collection method: clinical testing. Allele origin: germline.
Comment: The c.1910_1911delTC pathogenic mutation, located in coding exon 4 of the MSH6 gene, results from a deletion of two nucleotides at nucleotide positions 1910 to 1911, causing a translational frameshift with a predicted alternate stop codon (p.L637Pfs*2). This variant was detected in an endometrial cancer patient whose tumor demonstrated loss of staining for MSH6 by immunohistochemistry (IHC) (Andersson E et al. Hered Cancer Clin Pract, 2024 Aug;22:14). This variant is considered to be rare based on population cohorts in the Genome Aggregation Database (gnomAD). This alteration is expected to result in loss of function by premature protein truncation or nonsense-mediated mRNA decay. As such, this alteration is interpreted as a disease-causing mutation.

Labcorp Genetics (formerly Invitae), Labcorp
Classification: Pathogenic for Hereditary nonpolyposis colorectal neoplasms. Last evaluated: 2023-09-08. Review status: criteria provided, single submitter. Criteria: Invitae Variant Classification Sherloc (09022015). Collection method: clinical testing. Allele origin: germline.
Comment: This variant has not been reported in the literature in individuals affected with MSH6-related conditions. This variant is not present in population databases (gnomAD no frequency). For these reasons, this variant has been classified as Pathogenic. This sequence change creates a premature translational stop signal (p.Leu637Profs*2) in the MSH6 gene. It is expected to result in an absent or disrupted protein product. Loss-of-function variants in MSH6 are known to be pathogenic (PMID: 18269114, 24362816).

Myriad Genetics, Inc.
Classification: Pathogenic for Lynch syndrome 5. Last evaluated: 2023-08-16. Review status: criteria provided, single submitter. Criteria: Myriad Autosomal Dominant, Autosomal Recessive and X-Linked Classification Criteria (2023). Collection method: clinical testing. Allele origin: unknown.
Comment: This variant is considered pathogenic. This variant creates a frameshift predicted to result in premature protein truncation.

Clinical Genetics and Genomics, Karolinska University Hospital
Classification: Pathogenic. Last evaluated: 2019-05-15. Review status: criteria provided, single submitter. Criteria: ACMG Guidelines, 2015. Collection method: clinical testing. Allele origin: germline. Affected: yes. Observed: 2 variant alleles.

Literature cited by the submitters: PubMed 39175077 (cited by Ambry Genetics); PubMed 18269114 (cited by Labcorp Genetics (formerly Invitae), Labcorp); PubMed 24362816 (cited by Labcorp Genetics (formerly Invitae), Labcorp).